The following is an entry in ClinVar:

NM_015506.3(MMACHC):c.173T>C (p.Met58Thr)

Gene: MMACHC (metabolism of cobalamin associated C; plus strand). Cytogenetic location: 1p34.1.
Variant type: single nucleotide variant.
Coding change: c.173T>C on transcript NM_015506.3 (MANE Select); coding-DNA position 173, T replaced by C.
Protein change: p.Met58Thr; replaces methionine 58 with threonine.
Molecular consequence: missense variant. On other transcripts: initiator codon variant (1).
Genome position (GRCh38, 1-based): chr1:45,507,447, T>C. VCF-style: chr1-45507447-T-C. GRCh37 (hg19) VCF-style: chr1-45973119-T-C.
Other names: c.2T>C, p.Met1Thr (NM_001330540.2); short protein forms M1T, M58T.
Identifiers: ClinVar variation 1810484 (VCV001810484.4), dbSNP rs756713628, ClinGen allele CA827660.
Genomic context (GRCh38, chr1:45,507,447, plus strand): 5'-CCTTCCACCTACCGCTGCCAGGACCTACCCTGGCCTTCCTGGTACTCAGCACGCCTGCCA[T>C]GTTTGACCGGGCCCTCAAGCCCTTCTTGCAGAGCTGCCACCTCCGAATGCTGACTGACCC-3'
Protein context (NP_056321.2, residues 48-68): LAFLVLSTPA[Met58Thr]FDRALKPFLQ

ClinVar aggregate classification (germline): Uncertain significance. Review status: criteria provided, multiple submitters, no conflicts (2 of 4 stars). 3 submissions from 3 submitters: Uncertain significance (3). Last evaluated 2024-12-02.

Conditions:
Cobalamin C disease. Also called: Methylmalonic aciduria with homocystinuria cblC type; Cobalamin-C methylmalonic acidemia and homocystinuria; Methylmalonic acidemia and homocystinuria cblC type; Methylmalonic aciduria and homocystinuria, Vitamin B12-responsive; Vitamin B12 metabolic defect with combined deficiency of methylmalonyl-CoA mutase and homocysteine:methyltetrahydrofolate methyltransferase; methylmalonic aciduria and homocystinuria type cblC. Identifiers: Orphanet 26, Orphanet 79282, MedGen C1848561, MONDO:0010184, OMIM 277400.
Inborn genetic diseases. Identifiers: MedGen C0950123, MeSH D030342.

Allele frequency attached by ClinVar (database versions not stated): gnomAD exomes below 0.00001; ExAC 0.00001; TOPMed 0.00001.
gnomAD v4.1: 3 of 1,614,144 alleles (0.00019%); highest among the groups gnomAD compares: Admixed American, 0.0033%; no homozygotes.

Submissions (3):

Ambry Genetics
Classification: Uncertain significance for Inborn genetic diseases. Last evaluated: 2024-12-02. Review status: criteria provided, single submitter. Criteria: Ambry Variant Classification Scheme 2023. Collection method: clinical testing. Allele origin: germline.

Fulgent Genetics
Classification: Uncertain significance for Cobalamin C disease. Last evaluated: 2024-02-06. Review status: criteria provided, single submitter. Criteria: ACMG Guidelines, 2015. Collection method: clinical testing. Allele origin: germline.

GeneDx
Classification: Uncertain significance. Last evaluated: 2022-06-03. Review status: criteria provided, single submitter. Criteria: GeneDx Variant Classification Process June 2021. Collection method: clinical testing. Allele origin: germline. Affected: yes.
Comment: Not observed at significant frequency in large population cohorts (gnomAD); In silico analysis supports that this missense variant has a deleterious effect on protein structure/function; Has not been previously published as pathogenic or benign to our knowledge